The following is an entry in ClinVar:

ClinVar aggregate classification (germline): Uncertain significance (1 of 4 stars; one submission).

Submission:

GeneDx
Classification: Uncertain significance. Last evaluated: 2026-06-16. Review status: criteria provided, single submitter. Criteria: GeneDx Variant Classification Process June 2021. Collection method: clinical testing. Allele origin: germline.
Comment: Not observed at significant frequency in large population cohorts (gnomAD); In silico analysis supports that this missense variant has a deleterious effect on protein structure/function; Has not been previously published as pathogenic or benign to our knowledge

NM_001330311.2(DVL1):c.109C>T (p.Leu37Phe)

Gene: DVL1 (dishevelled segment polarity protein 1; minus strand). Cytogenetic location: 1p36.33.
Variant type: single nucleotide variant.
Coding change: c.109C>T on transcript NM_001330311.2 (MANE Select); coding-DNA position 109, C replaced by T.
Protein change: p.Leu37Phe; replaces leucine 37 with phenylalanine.
Molecular consequence: missense variant.
Genome position (GRCh38, 1-based): chr1:1,348,957, G>A on the plus strand (C>T on the coding strand, the complement: DVL1 is on the minus strand). VCF-style: chr1-1348957-G-A. GRCh37 (hg19) VCF-style: chr1-1284337-G-A.
Other names: c.109C>T, p.Leu37Phe (NM_004421.3); short protein forms L37F.
Identifiers: ClinVar variation 3343334 (VCV003343334.2).
Genomic context (GRCh38, chr1:1,348,957, plus strand): 5'-CGAAGTCCTGGTCCATGGACTTAAAGAAGAATTTGTAGGCGTGCACGGGCCGGTTGCTGA[G>A]CACGTTCTTGAAGTCGGCCAGCGTGACGCGCTCGGGGGCCACGGGCAGCTTGACCAGGTA-3'
Protein context (NP_001317240.1, residues 27-47): RVTLADFKNV[Leu37Phe]SNRPVHAYKF